The following is an entry in ClinVar:

ClinVar aggregate classification (germline): Uncertain significance. Review status: criteria provided, multiple submitters, no conflicts (2 of 4 stars). 2 submissions from 2 submitters: Uncertain significance (2). Last evaluated 2022-08-04.

Conditions:
Nemaline myopathy 2 (NEM2). Also called: Nemaline myopathy 2, autosomal recessive. Identifiers: MedGen C1850569, MONDO:0009725, OMIM 256030.

Allele frequency attached by ClinVar (database versions not stated): gnomAD exomes below 0.00001; gnomAD 0.00001; TOPMed 0.00001.
gnomAD v4.1: 7 of 1,612,784 alleles (0.00043%); highest among the groups gnomAD compares: Admixed American, 0.0017%; no homozygotes.

Submissions (2):

Labcorp Genetics (formerly Invitae), Labcorp
Classification: Uncertain significance for Nemaline myopathy 2. Last evaluated: 2022-08-04. Review status: criteria provided, single submitter. Criteria: Invitae Variant Classification Sherloc (09022015). Collection method: clinical testing. Allele origin: germline.
Comment: This sequence change replaces tyrosine, which is neutral and polar, with cysteine, which is neutral and slightly polar, at codon 5915 of the NEB protein (p.Tyr5915Cys). This variant is present in population databases (no rsID available, gnomAD 0.0009%). This variant has not been reported in the literature in individuals affected with NEB-related conditions. Algorithms developed to predict the effect of missense changes on protein structure and function are either unavailable or do not agree on the potential impact of this missense change (SIFT: "Deleterious"; PolyPhen-2: "Not Available"; Align-GVGD: "Class C0"). In summary, the available evidence is currently insufficient to determine the role of this variant in disease. Therefore, it has been classified as a Variant of Uncertain Significance.

Revvity Omics, Revvity
Classification: Uncertain significance. Last evaluated: 2020-06-02. Review status: criteria provided, single submitter. Criteria: ACMG Guidelines, 2015. Collection method: clinical testing. Allele origin: germline.

NM_001164508.2(NEB):c.17744A>G (p.Tyr5915Cys)

Gene: NEB (nebulin; minus strand). Cytogenetic location: 2q23.3.
Variant type: single nucleotide variant.
Coding change: c.17744A>G on transcript NM_001164508.2 (MANE Select); coding-DNA position 17744, A replaced by G.
Protein change: p.Tyr5915Cys; replaces tyrosine 5915 with cysteine.
Molecular consequence: missense variant.
Genome position (GRCh38, 1-based): chr2:151,568,171, T>C on the plus strand (A>G on the coding strand, the complement: NEB is on the minus strand). VCF-style: chr2-151568171-T-C. GRCh37 (hg19) VCF-style: chr2-152424685-T-C.
Other names: c.17744A>G, p.Tyr5915Cys (NM_001164507.2, NM_001271208.2); c.12641A>G, p.Tyr4214Cys (NM_004543.5); short protein forms Y5915C, Y4214C.
Identifiers: ClinVar variation 1938067 (VCV001938067.5), dbSNP rs1418690826, ClinGen allele CA348804818.